The following is an entry in ClinVar:

NM_004260.4(RECQL4):c.2T>C (p.Met1Thr)

Genes: RECQL4 (RecQ like helicase 4; minus strand), LOC130001411 (ATAC-STARR-seq lymphoblastoid silent region 19699; plus strand). Cytogenetic location: 8q24.3.
Variant type: single nucleotide variant.
Coding change: c.2T>C on transcript NM_004260.4 (MANE Select); coding-DNA position 2, T replaced by C.
Protein change: p.Met1Thr; changes the start codon (methionine 1).
Molecular consequence: missense variant, initiator codon variant.
Genome position (GRCh38, 1-based): chr8:144,517,783, A>G on the plus strand (T>C on the coding strand, the complement: RECQL4 is on the minus strand). VCF-style: chr8-144517783-A-G. GRCh37 (hg19) VCF-style: chr8-145743167-A-G.
Other names: short protein forms M1T.
Identifiers: ClinVar variation 1061669 (VCV001061669.6), dbSNP rs1815451689, ClinGen allele CA372694048.
Genomic context (GRCh38, chr8:144,517,783, plus strand): 5'-TGCCGTCGGAACGCGCGCTCCCACGCCTGCAGCCGCTCCCGCACGTCCCGCAGCCGCTCC[A>G]TGGCGCGCGCGCCCGCCCGGCCTCCGCGCTTGCGATCGTCCAGCGAATCTCCCGCGCAGC-3'
Protein context (NP_004251.4, residues 1-11): [Met1Thr]ERLRDVRERL

ClinVar aggregate classification (germline): Uncertain significance (1 of 4 stars; one submission).

Conditions:
Baller-Gerold syndrome (BGS). Also called: CRANIOSYNOSTOSIS WITH RADIAL DEFECTS. Identifiers: Orphanet 1225, MedGen C0265308, MONDO:0009039, OMIM 218600.

Submission:

Labcorp Genetics (formerly Invitae), Labcorp
Classification: Uncertain significance for Baller-Gerold syndrome. Last evaluated: 2022-08-14. Review status: criteria provided, single submitter. Criteria: Invitae Variant Classification Sherloc (09022015). Collection method: clinical testing. Allele origin: germline.
Comment: This sequence change affects the initiator methionine of the RECQL4 mRNA. The next in-frame methionine is located at codon 358. This variant is not present in population databases (gnomAD no frequency). This variant has not been reported in the literature in individuals affected with RECQL4-related conditions. ClinVar contains an entry for this variant (Variation ID: 1061669). Experimental studies and prediction algorithms are not available or were not evaluated, and the functional significance of this variant is currently unknown. In summary, the available evidence is currently insufficient to determine the role of this variant in disease. Therefore, it has been classified as a Variant of Uncertain Significance.